The following is an entry in ClinVar:

ClinVar aggregate classification (germline): Benign. Review status: criteria provided, multiple submitters, no conflicts (2 of 4 stars). 2 submissions from 2 submitters: Benign (2). Last evaluated 2018-06-19.

Allele frequency attached by ClinVar (database versions not stated): 1000 Genomes Project 0.58906; 1000 Genomes Project 30x 0.59244; TOPMed 0.61360; gnomAD 0.61921 and 0.61931; gnomAD exomes 0.64260.
gnomAD v4.1: 407,418 of 640,562 alleles (64%); highest among the groups gnomAD compares: East Asian, 67%; 130,192 homozygotes.

Submissions (2):

GeneDx
Classification: Benign. Last evaluated: 2018-06-19. Review status: criteria provided, single submitter. Criteria: GeneDx Variant Classification (06012015). Collection method: clinical testing. Allele origin: germline. Affected: yes.
Comment: This variant is considered likely benign or benign based on one or more of the following criteria: it is a conservative change, it occurs at a poorly conserved position in the protein, it is predicted to be benign by multiple in silico algorithms, and/or has population frequency not consistent with disease.

Breakthrough Genomics
Classification: Benign. Review status: criteria provided, single submitter. Criteria: ACMG Guidelines, 2015. Collection method: not provided. Allele origin: germline. Inheritance: Autosomal recessive inheritance. Affected: yes.

NM_000722.4(CACNA2D1):c.2142-144T>C

Gene: CACNA2D1 (calcium voltage-gated channel auxiliary subunit alpha2delta 1; minus strand). Cytogenetic location: 7q21.11.
Variant type: single nucleotide variant.
Coding change: c.2142-144T>C on transcript NM_000722.4 (MANE Select); 144 bases into the intron before coding-DNA position 2142, T replaced by C.
Molecular consequence: intron variant.
Genome position (GRCh38, 1-based): chr7:81,970,881, A>G on the plus strand (T>C on the coding strand, the complement: CACNA2D1 is on the minus strand). VCF-style: chr7-81970881-A-G. GRCh37 (hg19) VCF-style: chr7-81600197-A-G.
Other names: c.2178-144T>C (NM_001366867.1).
Identifiers: ClinVar variation 674594 (VCV000674594.2), dbSNP rs37067, ClinGen allele CA161124451.